The following is an entry in ClinVar:

NM_003846.3(PEX11B):c.571C>T (p.Arg191Trp)

Gene: PEX11B (peroxisomal biogenesis factor 11 beta; minus strand). Cytogenetic location: 1q21.1.
Variant type: single nucleotide variant.
Coding change: c.571C>T on transcript NM_003846.3 (MANE Select); coding-DNA position 571, C replaced by T.
Protein change: p.Arg191Trp; replaces arginine 191 with tryptophan.
Molecular consequence: missense variant. On other transcripts: non-coding transcript variant (3).
Genome position (GRCh38, 1-based): chr1:145,912,370, G>A on the plus strand (C>T on the coding strand, the complement: PEX11B is on the minus strand). VCF-style: chr1-145912370-G-A. GRCh37 (hg19) VCF-style: chr1-145522710-C-T.
Other names: c.529C>T, p.Arg177Trp (NM_001184795.1); short protein forms R177W, R191W.
Identifiers: ClinVar variation 1513868 (VCV001513868.6), dbSNP rs781840631, ClinGen allele CA1055630.

ClinVar aggregate classification (germline): Uncertain significance (1 of 4 stars; one submission).

Allele frequency attached by ClinVar (database versions not stated): gnomAD 0.00001; gnomAD exomes 0.00001; TOPMed 0.00002; ExAC 0.00003.
gnomAD v4.1: 8 of 1,612,516 alleles (0.0005%); highest among the groups gnomAD compares: South Asian, 0.0022%; no homozygotes.

Submission:

Labcorp Genetics (formerly Invitae), Labcorp
Classification: Uncertain significance. Last evaluated: 2026-01-12. Review status: criteria provided, single submitter. Criteria: Invitae Variant Classification Sherloc (09022015). Collection method: clinical testing. Allele origin: germline.
Comment: This sequence change replaces arginine, which is basic and polar, with tryptophan, which is neutral and slightly polar, at codon 191 of the PEX11B protein (p.Arg191Trp). This variant is present in population databases (rs781840631, gnomAD 0.003%). This variant has not been reported in the literature in individuals affected with PEX11B-related conditions. ClinVar contains an entry for this variant (Variation ID: 1513868). An algorithm developed to predict the effect of missense changes on protein structure and function (PolyPhen-2) suggests that this variant is likely to be tolerated. In summary, the available evidence is currently insufficient to determine the role of this variant in disease. Therefore, it has been classified as a Variant of Uncertain Significance.